The following is an entry in ClinVar:

ClinVar aggregate classification (germline): Pathogenic (1 of 4 stars; one submission).

Conditions:
Hereditary cancer-predisposing syndrome. Also called: Neoplastic Syndromes, Hereditary; Hereditary Cancer Syndrome; Hereditary neoplastic syndrome; Tumor predisposition. Identifiers: Orphanet 140162, MedGen C0027672, MeSH D009386, MONDO:0015356.

Submission:

Ambry Genetics
Classification: Pathogenic for Hereditary cancer-predisposing syndrome. Last evaluated: 2023-05-23. Review status: criteria provided, single submitter. Criteria: Ambry Variant Classification Scheme 2023. Collection method: clinical testing. Allele origin: germline.
Comment: The c.254dupA pathogenic mutation, located in coding exon 3 of the POT1 gene, results from a duplication of A at nucleotide position 254, causing a translational frameshift with a predicted alternate stop codon (p.I86Dfs*5). This variant is considered to be rare based on population cohorts in the Genome Aggregation Database (gnomAD). This alteration is expected to result in loss of function by premature protein truncation or nonsense-mediated mRNA decay. As such, this alteration is interpreted as a disease-causing mutation.

NM_015450.3(POT1):c.254dup (p.Ile86fs)

Gene: POT1 (protection of telomeres 1; minus strand). Cytogenetic location: 7q31.33.
Variant type: Duplication.
Coding change: c.254dup on transcript NM_015450.3 (MANE Select); coding-DNA position 254, one base duplicated (A; older notation c.254dupA).
Protein change: p.Ile86fs; shifts the reading frame from isoleucine 86.
Molecular consequence: frameshift variant. On other transcripts: non-coding transcript variant (3), intron variant (1).
Genome position (GRCh38, 1-based): chr7:124,870,912, T duplicated on the plus strand (A on the coding strand, the reverse complement: POT1 is on the minus strand); the first of 2 consecutive T bases (chr7:124,870,912-124,870,913); duplicating either gives the same sequence. VCF-style (leftmost placement, unchanged base first): chr7-124870911-C-CT. GRCh37 (hg19) VCF-style: chr7-124510965-C-CT.
Other names: c.-138-7272dup (NM_001042594.2); short protein forms I86fs.
Identifiers: ClinVar variation 2562068 (VCV002562068.2), dbSNP rs1795851272, ClinGen allele CA1740743082.